The following is an entry in ClinVar:

NM_001206999.2(CIT):c.1969G>A (p.Glu657Lys)

Gene: CIT (citron rho-interacting serine/threonine kinase; minus strand). Cytogenetic location: 12q24.23.
Variant type: single nucleotide variant.
Coding change: c.1969G>A on transcript NM_001206999.2 (MANE Select); coding-DNA position 1969, G replaced by A.
Protein change: p.Glu657Lys; replaces glutamic acid 657 with lysine.
Molecular consequence: missense variant.
Genome position (GRCh38, 1-based): chr12:119,772,883, C>T on the plus strand (G>A on the coding strand, the complement: CIT is on the minus strand). VCF-style: chr12-119772883-C-T. GRCh37 (hg19) VCF-style: chr12-120210687-C-T.
Other names: c.1969G>A, p.Glu657Lys (NM_007174.3); short protein forms E657K.
Identifiers: ClinVar variation 2047670 (VCV002047670.4), dbSNP rs778060632, ClinGen allele CA6821909.

ClinVar aggregate classification (germline): Uncertain significance (1 of 4 stars; one submission).

Allele frequency attached by ClinVar (database versions not stated): gnomAD exomes below 0.00001; ExAC 0.00001.

Submission:

Labcorp Genetics (formerly Invitae), Labcorp
Classification: Uncertain significance. Last evaluated: 2024-02-17. Review status: criteria provided, single submitter. Criteria: Invitae Variant Classification Sherloc (09022015). Collection method: clinical testing. Allele origin: germline.
Comment: This sequence change replaces glutamic acid, which is acidic and polar, with lysine, which is basic and polar, at codon 657 of the CIT protein (p.Glu657Lys). This variant is present in population databases (rs778060632, gnomAD 0.006%). This variant has not been reported in the literature in individuals affected with CIT-related conditions. ClinVar contains an entry for this variant (Variation ID: 2047670). Advanced modeling of protein sequence and biophysical properties (such as structural, functional, and spatial information, amino acid conservation, physicochemical variation, residue mobility, and thermodynamic stability) performed at Invitae indicates that this missense variant is not expected to disrupt CIT protein function with a negative predictive value of 80%. In summary, the available evidence is currently insufficient to determine the role of this variant in disease. Therefore, it has been classified as a Variant of Uncertain Significance.